The following is an entry in ClinVar:

NM_000059.4(BRCA2):c.8587dup (p.Glu2863fs)

Gene: BRCA2 (BRCA2 DNA repair associated; plus strand). Cytogenetic location: 13q13.1.
Variant type: Duplication.
Coding change: c.8587dup on transcript NM_000059.4 (MANE Select); coding-DNA position 8587, one base duplicated (G; older notation c.8587dupG).
Protein change: p.Glu2863fs; shifts the reading frame from glutamic acid 2863.
Molecular consequence: frameshift variant.
Genome position (GRCh38, 1-based): chr13:32,371,055, G duplicated. VCF-style (leftmost placement, unchanged base first): chr13-32371054-A-AG. GRCh37 (hg19) VCF-style: chr13-32945191-A-AG.
Other names: short protein forms E2863fs.
Identifiers: ClinVar variation 1763929 (VCV001763929.5), dbSNP rs2548550839, ClinGen allele CA2499222338.

ClinVar aggregate classification (germline): Pathogenic. Review status: criteria provided, multiple submitters, no conflicts (2 of 4 stars). 2 submissions from 2 submitters: Pathogenic (2). Last evaluated 2023-08-02.

Conditions:
Hereditary cancer-predisposing syndrome. Also called: Neoplastic Syndromes, Hereditary; Tumor predisposition; Hereditary Cancer Syndrome; Hereditary neoplastic syndrome. Identifiers: Orphanet 140162, MedGen C0027672, MeSH D009386, MONDO:0015356.
Hereditary breast ovarian cancer syndrome. Also called: Hereditary breast and ovarian cancer; Hereditary breast and ovarian cancer syndrome (HBOC); BRCA1- and BRCA2-Associated Hereditary Breast and Ovarian Cancer; Breast and ovarian cancer; Hereditary breast and/or ovarian cancer syndrome; Hereditary breast and ovarian cancer syndrome. Identifiers: Orphanet 145, MedGen C0677776, MeSH D061325, MONDO:0003582. Disease mechanism: loss of function.

Submissions (2):

Labcorp Genetics (formerly Invitae), Labcorp
Classification: Pathogenic for Hereditary breast ovarian cancer syndrome. Last evaluated: 2023-08-02. Review status: criteria provided, single submitter. Criteria: Invitae Variant Classification Sherloc (09022015). Collection method: clinical testing. Allele origin: germline.
Comment: For these reasons, this variant has been classified as Pathogenic. ClinVar contains an entry for this variant (Variation ID: 1763929). This variant is also known as c.8587dup (p.Glu2863Gly). This premature translational stop signal has been observed in individual(s) with breast cancer (PMID: 28231738). This variant is not present in population databases (gnomAD no frequency). This sequence change creates a premature translational stop signal (p.Glu2863Glyfs*6) in the BRCA2 gene. It is expected to result in an absent or disrupted protein product. Loss-of-function variants in BRCA2 are known to be pathogenic (PMID: 20104584).

Ambry Genetics
Classification: Pathogenic for Hereditary cancer-predisposing syndrome. Last evaluated: 2021-11-11. Review status: criteria provided, single submitter. Criteria: Ambry Variant Classification Scheme 2023. Collection method: clinical testing. Allele origin: germline.
Comment: The c.8587dupG pathogenic mutation, located in coding exon 19 of the BRCA2 gene, results from a duplication of G at nucleotide position 8587, causing a translational frameshift with a predicted alternate stop codon (p.E2863Gfs*6). This alteration has been reported in a breast cancer patient (Darooei M et al. Tumour Biol, 2017 Feb;39:1010428317694303). This variant is considered to be rare based on population cohorts in the Genome Aggregation Database (gnomAD). In addition to the clinical data presented in the literature, this alteration is expected to result in loss of function by premature protein truncation or nonsense-mediated mRNA decay. As such, this alteration is interpreted as a disease-causing mutation.

Literature cited by the submitters: PubMed 28231738 (cited by Labcorp Genetics (formerly Invitae), Labcorp and Ambry Genetics); PubMed 20104584 (cited by Labcorp Genetics (formerly Invitae), Labcorp).